The following is an entry in ClinVar:

ClinVar aggregate classification (germline): Uncertain significance (1 of 4 stars; one submission).

Conditions:
Inborn genetic diseases. Identifiers: MedGen C0950123, MeSH D030342.

Submission:

Ambry Genetics
Classification: Uncertain significance for Inborn genetic diseases. Last evaluated: 2018-06-12. Review status: criteria provided, single submitter. Criteria: Ambry Variant Classification Scheme 2023. Collection method: clinical testing. Allele origin: germline.
Comment: The c.9690-3C>T intronic variant results from a C to T substitution 3 nucleotides upstream from coding exon 52 in the VPS13B gene. This nucleotide position is poorly conserved in available vertebrate species. Using the BDGP and ESEfinder splice site prediction tools, this alteration is not predicted to have any significant effect on this splice acceptor site; however, direct evidence is unavailable. Since supporting evidence is limited at this time, the clinical significance of this alteration remains unclear.

NM_152564.5(VPS13B):c.9615-3C>T

Gene: VPS13B (vacuolar protein sorting 13 homolog B; plus strand). Cytogenetic location: 8q22.2.
Variant type: single nucleotide variant.
Coding change: c.9615-3C>T on transcript NM_152564.5 (MANE Select); 3 bases into the intron before coding-DNA position 9615, C replaced by T.
Molecular consequence: intron variant.
Genome position (GRCh38, 1-based): chr8:99,835,194, C>T. VCF-style: chr8-99835194-C-T. GRCh37 (hg19) VCF-style: chr8-100847422-C-T.
Other names: c.9690-3C>T (NM_017890.5).
Identifiers: ClinVar variation 1767804 (VCV001767804.2), dbSNP rs2492119368, ClinGen allele CA2580079305.
Genomic context (GRCh38, chr8:99,835,194, plus strand): 5'-AGAGGAGAGAGCATTCATTTTTTTTCCTAAACATTTCTGTCATTTGACTTGATTCTCTTC[C>T]AGGGCTATAGTGCTGACATATCAAGAACACCTCGGAGTGACTTATTTAACCCTCTCAGAA-3'